The following is an entry in ClinVar:

NM_001145252.3(CFP):c.517C>G (p.His173Asp)

Gene: CFP (complement factor properdin; minus strand). Cytogenetic location: Xp11.23.
Variant type: single nucleotide variant.
Coding change: c.517C>G on transcript NM_001145252.3 (MANE Select); coding-DNA position 517, C replaced by G.
Protein change: p.His173Asp; replaces histidine 173 with aspartic acid.
Molecular consequence: missense variant.
Genome position (GRCh38, 1-based): chrX:47,627,528, G>C on the plus strand (C>G on the coding strand, the complement: CFP is on the minus strand). VCF-style: chrX-47627528-G-C. GRCh37 (hg19) VCF-style: chrX-47486927-G-C.
Other names: c.517C>G, p.His173Asp (NM_002621.2); short protein forms H173D.
Identifiers: ClinVar variation 1383966 (VCV001383966.8), dbSNP rs1440928767, ClinGen allele CA412838629.

ClinVar aggregate classification (germline): Uncertain significance (1 of 4 stars; one submission).

Allele frequency attached by ClinVar (database versions not stated): gnomAD exomes 0.00001.

Submission:

Labcorp Genetics (formerly Invitae), Labcorp
Classification: Uncertain significance. Last evaluated: 2020-11-12. Review status: criteria provided, single submitter. Criteria: Invitae Variant Classification Sherloc (09022015). Collection method: clinical testing. Allele origin: germline.
Comment: Algorithms developed to predict the effect of missense changes on protein structure and function (SIFT, PolyPhen-2, Align-GVGD) all suggest that this variant is likely to be tolerated, but these predictions have not been confirmed by published functional studies and their clinical significance is uncertain. In summary, the available evidence is currently insufficient to determine the role of this variant in disease. Therefore, it has been classified as a Variant of Uncertain Significance. This sequence change replaces histidine with aspartic acid at codon 173 of the CFP protein (p.His173Asp). The histidine residue is weakly conserved and there is a moderate physicochemical difference between histidine and aspartic acid. This variant is not present in population databases (ExAC no frequency). This variant has not been reported in the literature in individuals with CFP-related conditions.